The following is an entry in ClinVar:

NM_001082971.2(DDC):c.1022-6C>T

Gene: DDC (dopa decarboxylase; minus strand). Cytogenetic location: 7p12.2.
Variant type: single nucleotide variant.
Coding change: c.1022-6C>T on transcript NM_001082971.2 (MANE Select); 6 bases into the intron before coding-DNA position 1022, C replaced by T.
Molecular consequence: intron variant.
Genome position (GRCh38, 1-based): chr7:50,476,649, G>A on the plus strand (C>T on the coding strand, the complement: DDC is on the minus strand). VCF-style: chr7-50476649-G-A. GRCh37 (hg19) VCF-style: chr7-50544347-G-A.
Other names: c.788-6C>T (NM_001242888.2); c.908-6C>T (NM_001242886.2); c.743-6C>T (NM_001242889.2); c.878-6C>T (NM_001242887.2); c.1022-6C>T (NM_000790.4).
Identifiers: ClinVar variation 708479 (VCV000708479.10), dbSNP rs193227256, ClinGen allele CA4262097.
Genomic context (GRCh38, chr7:50,476,649, plus strand): 5'-TAGCATTTGAGATTACAGTGGAATCTCCCACTTACCCGGTAGTCAGTGATAAGCCCTGGA[G>A]AAAAGAGAAAGAAAAAGAAAAAAGAAATCGTTAGACAGGTTTGTTGATCACACGCTAATC-3'

ClinVar aggregate classification (germline): Likely benign. Review status: criteria provided, single submitter (1 of 4 stars). 2 submissions from 2 submitters: Likely benign (1). 1 of the submissions does not count toward it. Last evaluated 2026-01-25.

Conditions:
Deficiency of aromatic-L-amino-acid decarboxylase. Also called: AADC DEFICIENCY; Aromatic L-Amino Acid Decarboxylase Deficiency; DDC DEFICIENCY; DOPA DECARBOXYLASE DEFICIENCY; Aromatic amino acid decarboxylase deficiency. Identifiers: Orphanet 35708, MedGen C1291564, MONDO:0012084, OMIM 608643.
DDC-related disorder. Also called: DDC-related condition.

Allele frequency attached by ClinVar (database versions not stated): gnomAD exomes 0.00004 and 0.00013; ExAC 0.00016; TOPMed 0.00055; gnomAD 0.00058 and 0.00062; ESP Exome Variant Server 0.00062.
gnomAD v4.1: 150 of 1,611,006 alleles (0.0093%); highest among the groups gnomAD compares: African/African-American, 0.17%; no homozygotes.

Submissions (2):

Labcorp Genetics (formerly Invitae), Labcorp
Classification: Likely benign for Deficiency of aromatic-L-amino-acid decarboxylase. Last evaluated: 2026-01-25. Review status: criteria provided, single submitter. Criteria: Invitae Variant Classification Sherloc (09022015). Collection method: clinical testing. Allele origin: germline.

PreventionGenetics, part of Exact Sciences
Classification: Likely benign for DDC-related condition. Last evaluated: 2024-04-16. Review status: no assertion criteria provided. Collection method: clinical testing. Allele origin: germline. Not counted in ClinVar's aggregate classification.
Comment: This variant is classified as likely benign based on ACMG/AMP sequence variant interpretation guidelines (Richards et al. 2015 PMID: 25741868, with internal and published modifications).